The following is an entry in ClinVar:

NM_175875.5(SIX5):c.230C>T (p.Ala77Val)

Genes: DM1-AS (DM1 locus antisense RNA; plus strand), SIX5 (SIX homeobox 5; minus strand), LOC107075317 (origin of replication in DMPK trinucleotide repeat region; plus strand), LOC129929037 (ATAC-STARR-seq lymphoblastoid silent region 10794; plus strand). Cytogenetic location: 19q13.32.
Variant type: single nucleotide variant.
Coding change: c.230C>T on transcript NM_175875.5 (MANE Select); coding-DNA position 230, C replaced by T.
Protein change: p.Ala77Val; replaces alanine 77 with valine.
Molecular consequence: missense variant.
Genome position (GRCh38, 1-based): chr19:45,768,615, G>A on the plus strand (C>T on the coding strand, the complement: SIX5 is on the minus strand). VCF-style: chr19-45768615-G-A. GRCh37 (hg19) VCF-style: chr19-46271873-G-A.
Other names: short protein forms A77V.
Identifiers: ClinVar variation 2548932 (VCV002548932.5), dbSNP rs1161188618, ClinGen allele CA406424272.

ClinVar aggregate classification (germline): Uncertain significance. Review status: criteria provided, multiple submitters, no conflicts (2 of 4 stars). 2 submissions from 2 submitters: Uncertain significance (2). Last evaluated 2023-05-18.

Allele frequency attached by ClinVar (database versions not stated): gnomAD exomes below 0.00001.
gnomAD v4.1: 5 of 1,288,652 alleles (0.00039%); highest among the groups gnomAD compares: East Asian, 0.013%; no homozygotes.

Submissions (2):

Ambry Genetics
Classification: Uncertain significance. Last evaluated: 2023-05-18. Review status: criteria provided, single submitter. Criteria: Ambry Variant Classification Scheme 2023. Collection method: clinical testing. Allele origin: germline.

Labcorp Genetics (formerly Invitae), Labcorp
Classification: Uncertain significance. Last evaluated: 2022-11-29. Review status: criteria provided, single submitter. Criteria: Invitae Variant Classification Sherloc (09022015). Collection method: clinical testing. Allele origin: germline.
Comment: This sequence change replaces alanine, which is neutral and non-polar, with valine, which is neutral and non-polar, at codon 77 of the SIX5 protein (p.Ala77Val). The frequency data for this variant in the population databases is considered unreliable, as metrics indicate poor data quality at this position in the gnomAD database. This variant has not been reported in the literature in individuals affected with SIX5-related conditions. Advanced modeling of protein sequence and biophysical properties (such as structural, functional, and spatial information, amino acid conservation, physicochemical variation, residue mobility, and thermodynamic stability) performed at Invitae indicates that this missense variant is not expected to disrupt SIX5 protein function. In summary, the available evidence is currently insufficient to determine the role of this variant in disease. Therefore, it has been classified as a Variant of Uncertain Significance.